The following is an entry in ClinVar:

NM_006662.3(SRCAP):c.5519G>A (p.Arg1840Gln)

Gene: SRCAP (Snf2 related CREBBP activator protein; plus strand). Cytogenetic location: 16p11.2.
Variant type: single nucleotide variant.
Coding change: c.5519G>A on transcript NM_006662.3 (MANE Select); coding-DNA position 5519, G replaced by A.
Protein change: p.Arg1840Gln; replaces arginine 1840 with glutamine.
Molecular consequence: missense variant.
Genome position (GRCh38, 1-based): chr16:30,724,943, G>A. VCF-style: chr16-30724943-G-A. GRCh37 (hg19) VCF-style: chr16-30736264-G-A.
Other names: c.5519G>A (NM_006662.2); short protein forms R1840Q.
Identifiers: ClinVar variation 3907458 (VCV003907458.3).

ClinVar aggregate classification (germline): Uncertain significance. Review status: criteria provided, multiple submitters, no conflicts (2 of 4 stars). 3 submissions from 3 submitters: Uncertain significance (3). Last evaluated 2025-10-22.

Conditions:
Inborn genetic diseases. Identifiers: MedGen C0950123, MeSH D030342.

gnomAD v4.1: 32 of 1,614,020 alleles (0.002%); highest among the groups gnomAD compares: East Asian, 0.0067%; no homozygotes.

Submissions (3):

Labcorp Genetics (formerly Invitae), Labcorp
Classification: Uncertain significance. Last evaluated: 2025-10-22. Review status: criteria provided, single submitter. Criteria: Invitae Variant Classification Sherloc (09022015). Collection method: clinical testing. Allele origin: germline.
Comment: This sequence change replaces arginine, which is basic and polar, with glutamine, which is neutral and polar, at codon 1840 of the SRCAP protein (p.Arg1840Gln). This variant is present in population databases (rs759792356, gnomAD 0.01%). This variant has not been reported in the literature in individuals affected with SRCAP-related conditions. ClinVar contains an entry for this variant (Variation ID: 3907458). Invitae Evidence Modeling of protein sequence and biophysical properties (such as structural, functional, and spatial information, amino acid conservation, physicochemical variation, residue mobility, and thermodynamic stability) indicates that this missense variant is not expected to disrupt SRCAP protein function with a negative predictive value of 80%. In summary, the available evidence is currently insufficient to determine the role of this variant in disease. Therefore, it has been classified as a Variant of Uncertain Significance.

Ambry Genetics
Classification: Uncertain significance for Inborn genetic diseases. Last evaluated: 2025-08-01. Review status: criteria provided, single submitter. Criteria: Ambry Variant Classification Scheme 2023. Collection method: clinical testing. Allele origin: germline.

Women's Health and Genetics/Laboratory Corporation of America, LabCorp
Classification: Uncertain significance. Last evaluated: 2025-06-02. Review status: criteria provided, single submitter. Criteria: LabCorp Variant Classification Summary - May 2015. Collection method: clinical testing. Allele origin: germline.
Comment: Variant summary: SRCAP c.5519G>A (p.Arg1840Gln) results in a conservative amino acid change in the encoded protein sequence. Algorithms developed to predict the effect of missense changes on protein structure and function all suggest that this variant is likely to be tolerated. The variant allele was found at a frequency of 2e-05 in 251456 control chromosomes (gnomAD). The available data on variant occurrences in the general population are insufficient to allow any conclusion about variant significance. To our knowledge, no occurrence of c.5519G>A in individuals affected with Floating-Harbor Syndrome and no experimental evidence demonstrating its impact on protein function have been reported. No submitters have cited clinical-significance assessments for this variant to ClinVar. Based on the evidence outlined above, the variant was classified as uncertain significance.